The following is an entry in ClinVar:

ClinVar aggregate classification (germline): Uncertain significance (1 of 4 stars; one submission).

Conditions:
Immunodeficiency, common variable, 7. Identifiers: Orphanet 1572, Orphanet 696894, MedGen C3542922, MONDO:0013862, OMIM 614699.

Submission:

Labcorp Genetics (formerly Invitae), Labcorp
Classification: Uncertain significance for Immunodeficiency, common variable, 7. Last evaluated: 2025-04-26. Review status: criteria provided, single submitter. Criteria: Invitae Variant Classification Sherloc (09022015). Collection method: clinical testing. Allele origin: germline.
Comment: This sequence change replaces alanine, which is neutral and non-polar, with valine, which is neutral and non-polar, at codon 117 of the CR2 protein (p.Ala117Val). This variant is not present in population databases (gnomAD no frequency). This variant has not been reported in the literature in individuals affected with CR2-related conditions. An algorithm developed to predict the effect of missense changes on protein structure and function (PolyPhen-2) suggests that this variant is likely to be tolerated. In summary, the available evidence is currently insufficient to determine the role of this variant in disease. Therefore, it has been classified as a Variant of Uncertain Significance.

NM_001006658.3(CR2):c.350C>T (p.Ala117Val)

Gene: CR2 (complement C3d receptor 2; plus strand). Cytogenetic location: 1q32.2.
Variant type: single nucleotide variant.
Coding change: c.350C>T on transcript NM_001006658.3 (MANE Select); coding-DNA position 350, C replaced by T.
Protein change: p.Ala117Val; replaces alanine 117 with valine.
Molecular consequence: missense variant.
Genome position (GRCh38, 1-based): chr1:207,466,817, C>T. VCF-style: chr1-207466817-C-T. GRCh37 (hg19) VCF-style: chr1-207640162-C-T.
Other names: c.350C>T, p.Ala117Val (NM_001877.5); short protein forms A117V.
Identifiers: ClinVar variation 4718349 (VCV004718349.1).
Genomic context (GRCh38, chr1:207,466,817, plus strand): 5'-CAGGAGGATACAAAATTAGAGGCTCTACACCCTACAGACATGGTGATTCTGTGACATTTG[C>T]CTGTAAAACCAACTTCTCCATGAACGGAAACAAGTCTGTTTGGTGTCAAGCAAATAATAT-3'
Protein context (NP_001006659.1, residues 107-127): PYRHGDSVTF[Ala117Val]CKTNFSMNGN